The following is an entry in ClinVar:

NM_030777.4(SLC2A10):c.1464C>T (p.Leu488=)

Gene: SLC2A10 (solute carrier family 2 member 10; plus strand). Cytogenetic location: 20q13.12.
Variant type: single nucleotide variant.
Coding change: c.1464C>T on transcript NM_030777.4 (MANE Select); coding-DNA position 1464, C replaced by T.
Protein change: p.Leu488=; no amino-acid change (leucine 488 retained).
Molecular consequence: synonymous variant.
Genome position (GRCh38, 1-based): chr20:46,729,405, C>T. VCF-style: chr20-46729405-C-T. GRCh37 (hg19) VCF-style: chr20-45358044-C-T.
Identifiers: ClinVar variation 197356 (VCV000197356.44), dbSNP rs142639587, ClinGen allele CA245449.

ClinVar aggregate classification (germline): Conflicting classifications of pathogenicity. Review status: criteria provided, conflicting classifications (1 of 4 stars). 6 submissions from 6 submitters: Uncertain significance (1); Likely benign (5). Last evaluated 2026-01-28.

Conditions:
Familial thoracic aortic aneurysm and aortic dissection (TAAD). Also called: Thoracic aortic aneurysms and dissections. Identifiers: Orphanet 91387, MedGen C4707243, MONDO:0019625.
Arterial tortuosity syndrome (ATORS). Identifiers: Orphanet 3342, MedGen C1859726, MONDO:0008818, OMIM 208050.

Allele frequency attached by ClinVar (database versions not stated): ExAC 0.00002; gnomAD 0.00005 and 0.00006; gnomAD exomes 0.00005 and 0.00011; TOPMed 0.00005.
gnomAD v4.1: 184 of 1,613,916 alleles (0.011%); highest among the groups gnomAD compares: Non-Finnish European, 0.014%; no homozygotes.

Submissions (6):

Labcorp Genetics (formerly Invitae), Labcorp
Classification: Likely benign for Arterial tortuosity syndrome. Last evaluated: 2026-01-28. Review status: criteria provided, single submitter. Criteria: Invitae Variant Classification Sherloc (09022015). Collection method: clinical testing. Allele origin: germline.

CeGaT Center for Human Genetics Tuebingen
Classification: Likely benign. Last evaluated: 2026-01-01. Review status: criteria provided, single submitter. Criteria: CeGaT Center For Human Genetics Tuebingen Variant Classification Criteria Version 2. Collection method: clinical testing. Allele origin: germline. Affected: yes. Observed: 2 variant alleles.
Comment: SLC2A10: BP4, BP7

CHEO Genetics Diagnostic Laboratory, Children's Hospital of Eastern Ontario
Classification: Likely benign for Familial thoracic aortic aneurysm and aortic dissection. Last evaluated: 2022-03-29. Review status: criteria provided, single submitter. Criteria: ACMG Guidelines, 2015. Collection method: clinical testing. Allele origin: germline.

GeneDx
Classification: Likely benign. Last evaluated: 2017-02-23. Review status: criteria provided, single submitter. Criteria: GeneDx Variant Classification (06012015). Collection method: clinical testing. Allele origin: germline. Affected: yes.
Comment: This variant is considered likely benign or benign based on one or more of the following criteria: it is a conservative change, it occurs at a poorly conserved position in the protein, it is predicted to be benign by multiple in silico algorithms, and/or has population frequency not consistent with disease.

Ambry Genetics
Classification: Likely benign for Familial thoracic aortic aneurysm and aortic dissection. Last evaluated: 2015-04-08. Review status: criteria provided, single submitter. Criteria: Ambry Variant Classification Scheme 2023. Collection method: clinical testing. Allele origin: germline.

Eurofins Ntd Llc (ga)
Classification: Uncertain significance. Last evaluated: 2014-12-15. Review status: criteria provided, single submitter. Criteria: EGL Classification Definitions 2015. Collection method: clinical testing. Allele origin: germline. Observed: 1 variant allele, 1 heterozygote.